The following is an entry in ClinVar:

ClinVar aggregate classification (germline): Uncertain significance (1 of 4 stars; one submission).

Allele frequency attached by ClinVar (database versions not stated): gnomAD exomes below 0.00001.
gnomAD v4.1: 1 of 1,613,674 alleles (0.000062%); highest among the groups gnomAD compares: Non-Finnish European, 0.000085%; no homozygotes.

Submission:

Ambry Genetics
Classification: Uncertain significance. Last evaluated: 2022-12-05. Review status: criteria provided, single submitter. Criteria: Ambry Variant Classification Scheme 2023. Collection method: clinical testing. Allele origin: germline.
Comment: The p.N2457S variant (also known as c.7370A>G), located in coding exon 27 of the POLQ gene, results from an A to G substitution at nucleotide position 7370. The asparagine at codon 2457 is replaced by serine, an amino acid with highly similar properties. This amino acid position is conserved. In addition, the in silico prediction for this alteration is inconclusive. Since supporting evidence is limited at this time, the clinical significance of this alteration remains unclear.

NM_199420.4(POLQ):c.7370A>G (p.Asn2457Ser)

Gene: POLQ (DNA polymerase theta; minus strand). Cytogenetic location: 3q13.33.
Variant type: single nucleotide variant.
Coding change: c.7370A>G on transcript NM_199420.4 (MANE Select); coding-DNA position 7370, A replaced by G.
Protein change: p.Asn2457Ser; replaces asparagine 2457 with serine.
Molecular consequence: missense variant.
Genome position (GRCh38, 1-based): chr3:121,440,011, T>C on the plus strand (A>G on the coding strand, the complement: POLQ is on the minus strand). VCF-style: chr3-121440011-T-C. GRCh37 (hg19) VCF-style: chr3-121158858-T-C.
Other names: short protein forms N2457S.
Identifiers: ClinVar variation 2448929 (VCV002448929.2), dbSNP rs2047576975, ClinGen allele CA354097793.